The following is an entry in ClinVar:

ClinVar aggregate classification (germline): Pathogenic. Review status: criteria provided, single submitter (1 of 4 stars). 3 submissions from 3 submitters: Pathogenic (1). 2 of the submissions do not count toward it. Last evaluated 2017-05-09.

Conditions:
Cardiovascular phenotype. Identifiers: MedGen CN230736.

Submissions (3):

Ambry Genetics
Classification: Pathogenic for Cardiovascular phenotype. Last evaluated: 2017-05-09. Review status: criteria provided, single submitter. Criteria: Ambry Variant Classification Scheme 2023. Collection method: clinical testing. Allele origin: germline.
Comment: The c.2749delG pathogenic mutation, located in coding exon 27 of the MYBPC3 gene, results from a deletion of one nucleotide at position 2749, causing a translational frameshift with a predicted alternate stop codon (p.V917Wfs*7). This alteration is expected to result in loss of function by premature protein truncation or nonsense-mediated mRNA decay. As such, this alteration is interpreted as a disease-causing mutation.

Genome Diagnostics Laboratory, University Medical Center Utrecht
Classification: Pathogenic. Review status: no assertion criteria provided. Collection method: clinical testing. Allele origin: germline. Affected: yes. Study: VKGL Data-share Consensus. Not counted in ClinVar's aggregate classification.

Joint Genome Diagnostic Labs from Nijmegen and Maastricht, Radboudumc and MUMC+
Classification: Pathogenic. Review status: no assertion criteria provided. Collection method: clinical testing. Allele origin: germline. Affected: yes. Study: VKGL Data-share Consensus. Not counted in ClinVar's aggregate classification.

NM_000256.3(MYBPC3):c.2749del (p.Val917fs)

Gene: MYBPC3 (myosin binding protein C3; minus strand). Cytogenetic location: 11p11.2.
Variant type: Deletion.
Coding change: c.2749del on transcript NM_000256.3 (MANE Select); coding-DNA position 2749, one base deleted (G; older notation c.2749delG).
Protein change: p.Val917fs; shifts the reading frame from valine 917.
Molecular consequence: frameshift variant.
Genome position (GRCh38, 1-based): chr11:47,335,198, C deleted on the plus strand (G on the coding strand, the reverse complement: MYBPC3 is on the minus strand); the first of 3 consecutive C bases (chr11:47,335,198-47,335,200); deleting any one gives the same sequence. VCF-style (leftmost placement, unchanged base first): chr11-47335197-AC-A. GRCh37 (hg19) VCF-style: chr11-47356748-AC-A.
Other names: c.2749delG (NM_000256.3); short protein forms V917fs.
Identifiers: ClinVar variation 1299840 (VCV001299840.3), dbSNP rs2142853029, ClinGen allele CA2499220964.
Genomic context (GRCh38, chr11:47,335,197, plus strand): 5'-CCCGTGGGCAGGTCCTTCACCAGTATCGATGTGTGCTCTGTCAGCCCCTGCAGGGCAGCC[AC>A]CCACTCTGAGCCTGGGGGTGGGGAGGGGGAGGCAAGGCCACAGGCTGTGTCACCACTGAC-3'